The following is an entry in ClinVar:

NM_000053.4(ATP7B):c.2842G>A (p.Gly948Ser)

Gene: ATP7B (ATPase copper transporting beta; minus strand). Cytogenetic location: 13q14.3.
Variant type: single nucleotide variant.
Coding change: c.2842G>A on transcript NM_000053.4 (MANE Select); coding-DNA position 2842, G replaced by A.
Protein change: p.Gly948Ser; replaces glycine 948 with serine.
Molecular consequence: missense variant. On other transcripts: intron variant (6).
Genome position (GRCh38, 1-based): chr13:51,949,685, C>T on the plus strand (G>A on the coding strand, the complement: ATP7B is on the minus strand). VCF-style: chr13-51949685-C-T. GRCh37 (hg19) VCF-style: chr13-52523821-C-T.
Other names: c.2590G>A, p.Gly864Ser (NM_001330579.2, NM_001406531.1, NM_001406532.1 and 1 more transcripts); c.2842G>A, p.Gly948Ser (NM_001406511.1, NM_001406512.1, NM_001406513.1 and 3 more transcripts); c.2809G>A, p.Gly937Ser (NM_001406514.1); c.2746G>A, p.Gly916Ser (NM_001406517.1, NM_001406518.1); c.2698G>A, p.Gly900Ser (NM_001406520.1, NM_001406521.1, NM_001406522.1 and 1 more transcripts); c.2665G>A, p.Gly889Ser (NM_001406524.1); c.2608G>A, p.Gly870Ser (NM_001406527.1, NM_001406528.1, NM_001330578.2 and 1 more transcripts); c.2602G>A, p.Gly868Ser (NM_001406530.1); and 12 more; short protein forms G518S, G732S, G754S, G786S, G805S, G832S, G837S, G838S.
Identifiers: ClinVar variation 3731537 (VCV003731537.1).

ClinVar aggregate classification (germline): Uncertain significance (1 of 4 stars; one submission).

Conditions:
Wilson disease (WND). Also called: Wilson's disease. Identifiers: Orphanet 905, MedGen C0019202, MONDO:0010200, OMIM 277900. Disease mechanism: loss of function.

Submission:

Neuberg Centre For Genomic Medicine, NCGM
Classification: Uncertain significance for Wilson disease. Last evaluated: 2023-06-22. Review status: criteria provided, single submitter. Criteria: ACMG Guidelines, 2015. Collection method: clinical testing. Allele origin: germline. Inheritance: Autosomal recessive inheritance. Affected: yes.
Comment: The missense variant c.2842G>A (p.Gly948Ser) in ATP7B gene has not been reported previously as a pathogenic variant nor as a benign variant, to our knowledge. The p.Gly948Ser variant is absent in gnomAD exomes database. This variant has not been submitted to the ClinVar database. Multiple lines of computational evidence (Polyphen - benign, SIFT - tolerated and MutationTaster - disease causing) predicts conflicting evidence on protein structure and function for this variant. The reference amino acid at this position on ATP7B gene is predicted as conserved by GERP++ and PhyloP across 100 vertebrates. The amino acid Gly at position 948 is changed to a Ser changing protein sequence and it might alter its composition and physico-chemical properties. For these reasons, this variant has been classified as Uncertain Significance (VUS). In the absence of another reportable variant in ATP7B gene, the molecular diagnosis is not confirmed.